The following is an entry in ClinVar:

NM_002734.5(PRKAR1A):c.151A>G (p.Arg51Gly)

Gene: PRKAR1A (protein kinase cAMP-dependent type I regulatory subunit alpha; plus strand). Cytogenetic location: 17q24.2.
Variant type: single nucleotide variant.
Coding change: c.151A>G on transcript NM_002734.5 (MANE Select); coding-DNA position 151, A replaced by G.
Protein change: p.Arg51Gly; replaces arginine 51 with glycine.
Molecular consequence: missense variant.
Genome position (GRCh38, 1-based): chr17:68,515,550, A>G. VCF-style: chr17-68515550-A-G. GRCh37 (hg19) VCF-style: chr17-66511691-A-G.
Other names: c.151A>G, p.Arg51Gly (NM_001276289.2, NM_001276290.1, NM_001278433.2 and 4 more transcripts); short protein forms R51G.
Identifiers: ClinVar variation 573586 (VCV000573586.15), dbSNP rs967277610, ClinGen allele CA293327658.

ClinVar aggregate classification (germline): Uncertain significance. Review status: criteria provided, multiple submitters, no conflicts (2 of 4 stars). 2 submissions from 2 submitters: Uncertain significance (2). Last evaluated 2025-12-30.

Conditions:
Carney complex, type 1 (CNC1). Also called: CARNEY MYXOMA-ENDOCRINE COMPLEX; CARNEY COMPLEX, TYPE I. Identifiers: Orphanet 1359, MedGen C2607929, MONDO:0008057, OMIM 160980.
Hereditary cancer-predisposing syndrome. Also called: Neoplastic Syndromes, Hereditary; Hereditary Cancer Syndrome; Tumor predisposition; Hereditary neoplastic syndrome. Identifiers: Orphanet 140162, MedGen C0027672, MeSH D009386, MONDO:0015356.

Allele frequency attached by ClinVar (database versions not stated): TOPMed 0.00001.
gnomAD v4.1: 10 of 1,612,748 alleles (0.00062%); highest among the groups gnomAD compares: Admixed American, 0.0017%; no homozygotes.

Submissions (2):

Labcorp Genetics (formerly Invitae), Labcorp
Classification: Uncertain significance for Carney complex, type 1. Last evaluated: 2025-12-30. Review status: criteria provided, single submitter. Criteria: Invitae Variant Classification Sherloc (09022015). Collection method: clinical testing. Allele origin: germline.
Comment: This sequence change replaces arginine, which is basic and polar, with glycine, which is neutral and non-polar, at codon 51 of the PRKAR1A protein (p.Arg51Gly). This variant is not present in population databases (gnomAD no frequency). This variant has not been reported in the literature in individuals affected with PRKAR1A-related conditions. ClinVar contains an entry for this variant (Variation ID: 573586). Invitae Evidence Modeling incorporating data from in vitro experimental studies (internal data) indicates that this missense variant is expected to disrupt PRKAR1A function with a positive predictive value of 95%. In summary, the available evidence is currently insufficient to determine the role of this variant in disease. Therefore, it has been classified as a Variant of Uncertain Significance.

Ambry Genetics
Classification: Uncertain significance for Hereditary cancer-predisposing syndrome. Last evaluated: 2024-04-26. Review status: criteria provided, single submitter. Criteria: Ambry Variant Classification Scheme 2023. Collection method: clinical testing. Allele origin: germline.
Comment: The p.R51G variant (also known as c.151A>G), located in coding exon 1 of the PRKAR1A gene, results from an A to G substitution at nucleotide position 151. The arginine at codon 51 is replaced by glycine, an amino acid with dissimilar properties. This amino acid position is highly conserved in available vertebrate species. In addition, this alteration is predicted to be deleterious by in silico analysis. Since supporting evidence is limited at this time, the clinical significance of this alteration remains unclear.

Literature cited by the submitters: PubMed 27930734 (cited by Ambry Genetics).